The following is an entry in ClinVar:

NM_005733.3(KIF20A):c.893G>C (p.Arg298Pro)

Gene: KIF20A (kinesin family member 20A; plus strand). Cytogenetic location: 5q31.2.
Variant type: single nucleotide variant.
Coding change: c.893G>C on transcript NM_005733.3 (MANE Select); coding-DNA position 893, G replaced by C.
Protein change: p.Arg298Pro; replaces arginine 298 with proline.
Molecular consequence: missense variant.
Genome position (GRCh38, 1-based): chr5:138,183,229, G>C. VCF-style: chr5-138183229-G-C. GRCh37 (hg19) VCF-style: chr5-137518918-G-C.
Other names: c.893G>C (NM_005733.2); short protein forms R298P.
Identifiers: ClinVar variation 1941969 (VCV001941969.6), dbSNP rs144155991, ClinGen allele CA3426440.

ClinVar aggregate classification (germline): Uncertain significance. Review status: criteria provided, multiple submitters, no conflicts (2 of 4 stars). 2 submissions from 2 submitters: Uncertain significance (2). Last evaluated 2025-12-16.

Submissions (2):

Ambry Genetics
Classification: Uncertain significance. Last evaluated: 2025-12-16. Review status: criteria provided, single submitter. Criteria: Ambry Variant Classification Scheme 2023. Collection method: clinical testing. Allele origin: germline.

Labcorp Genetics (formerly Invitae), Labcorp
Classification: Uncertain significance. Last evaluated: 2025-09-27. Review status: criteria provided, single submitter. Criteria: Invitae Variant Classification Sherloc (09022015). Collection method: clinical testing. Allele origin: germline.
Comment: This sequence change replaces arginine, which is basic and polar, with proline, which is neutral and non-polar, at codon 298 of the KIF20A protein (p.Arg298Pro). This variant is present in population databases (rs144155991, gnomAD 0.004%). This variant has not been reported in the literature in individuals affected with KIF20A-related conditions. ClinVar contains an entry for this variant (Variation ID: 1941969). An algorithm developed to predict the effect of missense changes on protein structure and function (PolyPhen-2) suggests that this variant is likely to be disruptive. In summary, the available evidence is currently insufficient to determine the role of this variant in disease. Therefore, it has been classified as a Variant of Uncertain Significance.